The following is an entry in ClinVar:

ClinVar aggregate classification (germline): Uncertain significance (1 of 4 stars; one submission).

Conditions:
Inborn genetic diseases. Identifiers: MedGen C0950123, MeSH D030342.

Submission:

Ambry Genetics
Classification: Uncertain significance for Inborn genetic diseases. Last evaluated: 2026-08-10. Review status: criteria provided, single submitter. Criteria: Ambry Variant Classification Scheme 2023. Collection method: clinical testing. Allele origin: germline.
Comment: The p.S531F variant (also known as c.1592C>T), located in coding exon 10 of the ERCC6L2 gene, results from a C to T substitution at nucleotide position 1592. The serine at codon 531 is replaced by phenylalanine, an amino acid with highly dissimilar properties. This amino acid position is conserved. In addition, this alteration is predicted to be deleterious by in silico analysis. Based on the available evidence, the clinical significance of this variant remains unclear.

NM_020207.7(ERCC6L2):c.1592C>T (p.Ser531Phe)

Gene: ERCC6L2 (ERCC excision repair 6 like 2; plus strand). Cytogenetic location: 9q22.32.
Variant type: single nucleotide variant.
Coding change: c.1592C>T on transcript NM_020207.7 (MANE Select); coding-DNA position 1592, C replaced by T.
Protein change: p.Ser531Phe; replaces serine 531 with phenylalanine.
Molecular consequence: missense variant. On other transcripts: non-coding transcript variant (1).
Genome position (GRCh38, 1-based): chr9:95,928,137, C>T. VCF-style: chr9-95928137-C-T. GRCh37 (hg19) VCF-style: chr9-98690419-C-T.
Other names: c.1592C>T, p.Ser531Phe (NM_001010895.4, NM_001375291.1, NM_001375292.1 and 2 more transcripts); short protein forms S531F.
Identifiers: ClinVar variation 5036096 (VCV005036096.1).
Genomic context (GRCh38, chr9:95,928,137, plus strand): 5'-AGGTCCTTCAGCAGCTTTTAAATCATTGCAGGAAAAACAGAGATAAAGTTCTTCTCTTTT[C>T]TTTTTCCACCAAGGTGAGTTCATCTAAAGTATATCCTTGATTGGCCAGCCTCAACTTTTG-3'
Protein context (NP_064592.3, residues 521-541): RKNRDKVLLF[Ser531Phe]FSTKLLDVLQ